The following is an entry in ClinVar:

ClinVar aggregate classification (germline): Uncertain significance (1 of 4 stars; one submission).

Submission:

GeneDx
Classification: Uncertain significance. Last evaluated: 2023-04-17. Review status: criteria provided, single submitter. Criteria: GeneDx Variant Classification Process June 2021. Collection method: clinical testing. Allele origin: germline. Affected: yes.
Comment: Not observed at significant frequency in large population cohorts (gnomAD); In silico analysis supports that this missense variant has a deleterious effect on protein structure/function; Has not been previously published as pathogenic or benign to our knowledge

NM_015057.5(MYCBP2):c.5282T>C (p.Phe1761Ser)

Gene: MYCBP2 (MYC binding protein 2; minus strand). Cytogenetic location: 13q22.3.
Variant type: single nucleotide variant.
Coding change: c.5282T>C on transcript NM_015057.5 (MANE Select); coding-DNA position 5282, T replaced by C.
Protein change: p.Phe1761Ser; replaces phenylalanine 1761 with serine.
Molecular consequence: missense variant.
Genome position (GRCh38, 1-based): chr13:77,177,806, A>G on the plus strand (T>C on the coding strand, the complement: MYCBP2 is on the minus strand). VCF-style: chr13-77177806-A-G. GRCh37 (hg19) VCF-style: chr13-77751941-A-G.
Other names: short protein forms F1761S.
Identifiers: ClinVar variation 2662144 (VCV002662144.1), dbSNP rs2549052380, ClinGen allele CA388423155.
Genomic context (GRCh38, chr13:77,177,806, plus strand): 5'-ACATCATCAACCAACACCTCTAATTCATATTCATGAATTCCACCTCCTCCATAGACAGAG[A>G]AACCAACCACAACTATTCCAGGTTTGTCTACTGAAAAACAGATTGCATCAGGGGACCCGT-3'
Protein context (NP_055872.4, residues 1751-1771): VDKPGIVVVG[Phe1761Ser]SVYGGGGIHE